The following is an entry in ClinVar:

ClinVar aggregate classification (germline): Uncertain significance (1 of 4 stars; one submission).

Conditions:
Hereditary cancer-predisposing syndrome. Also called: Neoplastic Syndromes, Hereditary; Tumor predisposition; Hereditary Cancer Syndrome; Hereditary neoplastic syndrome. Identifiers: Orphanet 140162, MedGen C0027672, MeSH D009386, MONDO:0015356.

Allele frequency attached by ClinVar (database versions not stated): ExAC 0.00002; gnomAD exomes below 0.00001.
gnomAD v4.1: 4 of 1,614,012 alleles (0.00025%); highest among the groups gnomAD compares: South Asian, 0.0022%; no homozygotes.

Submission:

Ambry Genetics
Classification: Uncertain significance for Hereditary cancer-predisposing syndrome. Last evaluated: 2016-08-26. Review status: criteria provided, single submitter. Criteria: Ambry Variant Classification Scheme 2023. Collection method: clinical testing. Allele origin: germline.
Comment: The p.A94S variant (also known as c.280G>T), located in coding exon 1 of the CHEK2 gene, results from a G to T substitution at nucleotide position 280. The alanine at codon 94 is replaced by serine, an amino acid with similar properties. This variant was not reported in population based cohorts in the following databases: Database of Single Nucleotide Polymorphisms (dbSNP), NHLBI Exome Sequencing Project (ESP), and 1000 Genomes Project. In the ESP, this variant was not observed in 6503 samples (13006 alleles) with coverage at this position. To date, this alteration has been detected with an allele frequency of approximately 0.001% (greater than 200000 alleles tested) in our clinical cohort. This amino acid position is well conserved in available vertebrate species. In addition, the in silico prediction for this alteration is inconclusive. Since supporting evidence is limited at this time, the clinical significance of this alteration remains unclear.

NM_007194.4(CHEK2):c.280G>T (p.Ala94Ser)

Gene: CHEK2 (checkpoint kinase 2; minus strand). Cytogenetic location: 22q12.1.
Variant type: single nucleotide variant.
Coding change: c.280G>T on transcript NM_007194.4 (MANE Select); coding-DNA position 280, G replaced by T.
Protein change: p.Ala94Ser; replaces alanine 94 with serine.
Molecular consequence: missense variant.
Genome position (GRCh38, 1-based): chr22:28,734,442, C>A on the plus strand (G>T on the coding strand, the complement: CHEK2 is on the minus strand). VCF-style: chr22-28734442-C-A. GRCh37 (hg19) VCF-style: chr22-29130430-C-A.
Other names: c.280G>T, p.Ala94Ser (NM_001005735.3, NM_001349956.3, NM_145862.3); c.-498G>T (NM_001257387.3); short protein forms A94S.
Identifiers: ClinVar variation 481725 (VCV000481725.5), dbSNP rs753860983, ClinGen allele CA10168050.